The following is an entry in ClinVar:

NM_004171.4(SLC1A2):c.163A>T (p.Ile55Phe)

Gene: SLC1A2 (solute carrier family 1 member 2; minus strand). Cytogenetic location: 11p13.
Variant type: single nucleotide variant.
Coding change: c.163A>T on transcript NM_004171.4 (MANE Select); coding-DNA position 163, A replaced by T.
Protein change: p.Ile55Phe; replaces isoleucine 55 with phenylalanine.
Molecular consequence: missense variant.
Genome position (GRCh38, 1-based): chr11:35,315,170, T>A on the plus strand (A>T on the coding strand, the complement: SLC1A2 is on the minus strand). VCF-style: chr11-35315170-T-A. GRCh37 (hg19) VCF-style: chr11-35336717-T-A.
Other names: c.136A>T, p.Ile46Phe (NM_001195728.3, NM_001252652.2); short protein forms I46F, I55F.
Identifiers: ClinVar variation 1938324 (VCV001938324.5), dbSNP rs374360036, ClinGen allele CA380130925.

ClinVar aggregate classification (germline): Uncertain significance (1 of 4 stars; one submission).

Allele frequency attached by ClinVar (database versions not stated): TOPMed below 0.00001; gnomAD 0.00001.
gnomAD v4.1: 4 of 1,613,384 alleles (0.00025%); highest among the groups gnomAD compares: South Asian, 0.0033%; no homozygotes.

Submission:

Labcorp Genetics (formerly Invitae), Labcorp
Classification: Uncertain significance. Last evaluated: 2022-11-01. Review status: criteria provided, single submitter. Criteria: Invitae Variant Classification Sherloc (09022015). Collection method: clinical testing. Allele origin: germline.
Comment: This sequence change replaces isoleucine, which is neutral and non-polar, with phenylalanine, which is neutral and non-polar, at codon 55 of the SLC1A2 protein (p.Ile55Phe). This variant is present in population databases (no rsID available, gnomAD 0.003%). This variant has not been reported in the literature in individuals affected with SLC1A2-related conditions. Advanced modeling of protein sequence and biophysical properties (such as structural, functional, and spatial information, amino acid conservation, physicochemical variation, residue mobility, and thermodynamic stability) performed at Invitae indicates that this missense variant is not expected to disrupt SLC1A2 protein function. In summary, the available evidence is currently insufficient to determine the role of this variant in disease. Therefore, it has been classified as a Variant of Uncertain Significance.